The following is an entry in ClinVar:

NM_006904.7(PRKDC):c.7637A>G (p.Tyr2546Cys)

Gene: PRKDC (protein kinase, DNA-activated, catalytic subunit; minus strand). Cytogenetic location: 8q11.21.
Variant type: single nucleotide variant.
Coding change: c.7637A>G on transcript NM_006904.7 (MANE Select); coding-DNA position 7637, A replaced by G.
Protein change: p.Tyr2546Cys; replaces tyrosine 2546 with cysteine.
Molecular consequence: missense variant.
Genome position (GRCh38, 1-based): chr8:47,837,336, T>C on the plus strand (A>G on the coding strand, the complement: PRKDC is on the minus strand). VCF-style: chr8-47837336-T-C. GRCh37 (hg19) VCF-style: chr8-48749897-T-C.
Other names: c.7637A>G, p.Tyr2546Cys (NM_001081640.2); short protein forms Y2546C.
Identifiers: ClinVar variation 1520358 (VCV001520358.5), dbSNP rs751177822, ClinGen allele CA4740060.

ClinVar aggregate classification (germline): Uncertain significance (1 of 4 stars; one submission).

Conditions:
Severe combined immunodeficiency due to DNA-PKcs deficiency. Also called: IMMUNODEFICIENCY 26 WITH NEUROLOGIC ABNORMALITIES; Immunodeficiency 26 with or without neurologic abnormalities. Identifiers: Orphanet 317425, MedGen C4014833, MONDO:0014423, OMIM 615966.

Allele frequency attached by ClinVar (database versions not stated): gnomAD 0.00001; gnomAD exomes 0.00002 and 0.00007; ExAC 0.00008.
gnomAD v4.1: 38 of 1,613,042 alleles (0.0024%); highest among the groups gnomAD compares: South Asian, 0.038%; no homozygotes.

Submission:

Labcorp Genetics (formerly Invitae), Labcorp
Classification: Uncertain significance for Severe combined immunodeficiency due to DNA-PKcs deficiency. Last evaluated: 2021-02-17. Review status: criteria provided, single submitter. Criteria: Invitae Variant Classification Sherloc (09022015). Collection method: clinical testing. Allele origin: germline.
Comment: This sequence change replaces tyrosine with cysteine at codon 2546 of the PRKDC protein (p.Tyr2546Cys). The tyrosine residue is highly conserved and there is a large physicochemical difference between tyrosine and cysteine. This variant is present in population databases (rs751177822, ExAC 0.06%). This variant has not been reported in the literature in individuals with PRKDC-related conditions. Experimental studies and prediction algorithms are not available or were not evaluated, and the functional significance of this variant is currently unknown. In summary, the available evidence is currently insufficient to determine the role of this variant in disease. Therefore, it has been classified as a Variant of Uncertain Significance.